The following is an entry in ClinVar:

ClinVar aggregate classification (germline): Uncertain significance. Review status: criteria provided, multiple submitters, no conflicts (2 of 4 stars). 2 submissions from 2 submitters: Uncertain significance (2). Last evaluated 2025-04-18.

Conditions:
Inborn genetic diseases. Identifiers: MedGen C0950123, MeSH D030342.

gnomAD v4.1: 1 of 1,614,204 alleles (0.000062%); highest among the groups gnomAD compares: Non-Finnish European, 0.000085%; no homozygotes.

Submissions (2):

Ambry Genetics
Classification: Uncertain significance for Inborn genetic diseases. Last evaluated: 2025-04-18. Review status: criteria provided, single submitter. Criteria: Ambry Variant Classification Scheme 2023. Collection method: clinical testing. Allele origin: germline.

Labcorp Genetics (formerly Invitae), Labcorp
Classification: Uncertain significance. Last evaluated: 2021-09-24. Review status: criteria provided, single submitter. Criteria: Invitae Variant Classification Sherloc (09022015). Collection method: clinical testing. Allele origin: germline.
Comment: This sequence change replaces proline with leucine at codon 675 of the HPS4 protein (p.Pro675Leu). The proline residue is moderately conserved and there is a moderate physicochemical difference between proline and leucine. This variant is not present in population databases (ExAC no frequency). This variant has not been reported in the literature in individuals with HPS4-related conditions. Algorithms developed to predict the effect of missense changes on protein structure and function are either unavailable or do not agree on the potential impact of this missense change (SIFT: "Deleterious"; PolyPhen-2: "Benign"; Align-GVGD: "Class C15"). In summary, the available evidence is currently insufficient to determine the role of this variant in disease. Therefore, it has been classified as a Variant of Uncertain Significance.

NM_022081.6(HPS4):c.2024C>T (p.Pro675Leu)

Gene: HPS4 (HPS4 biogenesis of lysosomal organelles complex 3 subunit 2; minus strand). Cytogenetic location: 22q12.1.
Variant type: single nucleotide variant.
Coding change: c.2024C>T on transcript NM_022081.6 (MANE Select); coding-DNA position 2024, C replaced by T.
Protein change: p.Pro675Leu; replaces proline 675 with leucine.
Molecular consequence: missense variant. On other transcripts: synonymous variant (2), non-coding transcript variant (8), intron variant (2).
Genome position (GRCh38, 1-based): chr22:26,453,336, G>A on the plus strand (C>T on the coding strand, the complement: HPS4 is on the minus strand). VCF-style: chr22-26453336-G-A. GRCh37 (hg19) VCF-style: chr22-26849302-G-A.
Other names: c.2024C>T, p.Pro675Leu (NM_001349896.1, NM_001349898.2, NM_001349899.2); c.2078C>T, p.Pro693Leu (NM_001349900.2, NM_001349901.1); c.1782C>T, p.Thr594= (NM_001349902.1, NM_001349903.2); c.2009C>T, p.Pro670Leu (NM_152841.2); c.1955+4523C>T (NM_001349905.1, NM_001349904.2); c.2024C>T (NM_022081.4); short protein forms P693L, P670L, P675L.
Identifiers: ClinVar variation 1361861 (VCV001361861.6), dbSNP rs749689033, ClinGen allele CA411023012.